The following is an entry in ClinVar:

NM_014014.5(SNRNP200):c.5692C>T (p.His1898Tyr)

Gene: SNRNP200 (small nuclear ribonucleoprotein U5 subunit 200; minus strand). Cytogenetic location: 2q11.2.
Variant type: single nucleotide variant.
Coding change: c.5692C>T on transcript NM_014014.5 (MANE Select); coding-DNA position 5692, C replaced by T.
Protein change: p.His1898Tyr; replaces histidine 1898 with tyrosine.
Molecular consequence: missense variant.
Genome position (GRCh38, 1-based): chr2:96,277,869, G>A on the plus strand (C>T on the coding strand, the complement: SNRNP200 is on the minus strand). VCF-style: chr2-96277869-G-A. GRCh37 (hg19) VCF-style: chr2-96943607-G-A.
Other names: short protein forms H1898Y.
Identifiers: ClinVar variation 1905931 (VCV001905931.5), dbSNP rs1421192077, ClinGen allele CA347658204.

ClinVar aggregate classification (germline): Uncertain significance (1 of 4 stars; one submission).

Allele frequency attached by ClinVar (database versions not stated): gnomAD exomes below 0.00001; TOPMed 0.00001.
gnomAD v4.1: 2 of 1,614,250 alleles (0.00012%); highest among the groups gnomAD compares: African/African-American, 0.0013%; no homozygotes.

Submission:

Labcorp Genetics (formerly Invitae), Labcorp
Classification: Uncertain significance. Last evaluated: 2022-01-19. Review status: criteria provided, single submitter. Criteria: Invitae Variant Classification Sherloc (09022015). Collection method: clinical testing. Allele origin: germline.
Comment: In summary, the available evidence is currently insufficient to determine the role of this variant in disease. Therefore, it has been classified as a Variant of Uncertain Significance. Algorithms developed to predict the effect of missense changes on protein structure and function are either unavailable or do not agree on the potential impact of this missense change (SIFT: "Tolerated"; PolyPhen-2: "Probably Damaging"; Align-GVGD: "Class C0"). This variant has not been reported in the literature in individuals affected with SNRNP200-related conditions. This variant is present in population databases (no rsID available, gnomAD 0.003%). This sequence change replaces histidine, which is basic and polar, with tyrosine, which is neutral and polar, at codon 1898 of the SNRNP200 protein (p.His1898Tyr).